The following is an entry in ClinVar:

NM_000512.5(GALNS):c.313A>G (p.Arg105Gly)

Gene: GALNS (galactosamine (N-acetyl)-6-sulfatase; minus strand). Cytogenetic location: 16q24.3.
Variant type: single nucleotide variant.
Coding change: c.313A>G on transcript NM_000512.5 (MANE Select); coding-DNA position 313, A replaced by G.
Protein change: p.Arg105Gly; replaces arginine 105 with glycine.
Molecular consequence: missense variant. On other transcripts: 5 prime UTR variant (1).
Genome position (GRCh38, 1-based): chr16:88,841,903, T>C on the plus strand (A>G on the coding strand, the complement: GALNS is on the minus strand). VCF-style: chr16-88841903-T-C. GRCh37 (hg19) VCF-style: chr16-88908311-T-C.
Other names: c.-243A>G (NM_001323543.2); c.331A>G, p.Arg111Gly (NM_001323544.2); short protein forms R105G, R111G.
Identifiers: ClinVar variation 1048183 (VCV001048183.8), dbSNP rs2143005072, ClinGen allele CA397088962.

ClinVar aggregate classification (germline): Conflicting classifications of pathogenicity. Review status: criteria provided, conflicting classifications (1 of 4 stars). 4 submissions from 4 submitters: Likely pathogenic (3); Uncertain significance (1). Last evaluated 2025-06-20.

Conditions:
Mucopolysaccharidosis, MPS-IV-A (MPS4A). Also called: Mucopolysaccharidosis type IV A; Mucopolysaccharidosis Type IVA; Morquio syndrome A, mild; MORQUIO SYNDROME A; MPS IVA; mucopolysaccharidosis type 4A. Identifiers: Orphanet 309297, Orphanet 582, MedGen C0086651, MONDO:0009659, OMIM 253000.
Morquio syndrome. Also called: Mucopolysaccharidosis, Type IV; MPS IV; Mucopolysaccharidosis type 4; Eccentrochondrodysplasia. Identifiers: Orphanet 582, MedGen C0026707, MONDO:0018938.

Allele frequency attached by ClinVar (database versions not stated): gnomAD exomes below 0.00001.
gnomAD v4.1: 1 of 1,613,058 alleles (0.000062%); highest among the groups gnomAD compares: South Asian, 0.0011%; no homozygotes.

Submissions (4):

Women's Health and Genetics/Laboratory Corporation of America, LabCorp
Classification: Likely pathogenic for Morquio syndrome. Last evaluated: 2025-06-20. Review status: criteria provided, single submitter. Criteria: LabCorp Variant Classification Summary - May 2015. Collection method: clinical testing. Allele origin: germline.
Comment: Variant summary: GALNS c.313A>G (p.Arg105Gly) results in a non-conservative amino acid change in the encoded protein sequence. Algorithms developed to predict the effect of missense changes on protein structure and function all suggest that this variant is likely to be disruptive. The variant was absent in 246706 control chromosomes. c.313A>G has been observed in at least one compound heterozygous individual affected with Mucopolysaccharidosis Type IVA (Morquio Syndrome A) (e.g. Zanetti_2021, Ghaffari_2022). At least one publication reports experimental evidence evaluating an impact on protein function. The most pronounced variant effect results in null enzyme activity (e.g. Zanetti_2021). The following publications have been ascertained in the context of this evaluation (PMID: 35005816, 34387910). ClinVar contains an entry for this variant (Variation ID: 1048183). Based on the evidence outlined above, the variant was classified as likely pathogenic.

Revvity Omics, Revvity
Classification: Likely pathogenic for Mucopolysaccharidosis, MPS-IV-A. Last evaluated: 2024-12-06. Review status: criteria provided, single submitter. Criteria: ACMG Guidelines, 2015. Collection method: clinical testing. Allele origin: germline.

Labcorp Genetics (formerly Invitae), Labcorp
Classification: Likely pathogenic for Mucopolysaccharidosis, MPS-IV-A. Last evaluated: 2023-07-26. Review status: criteria provided, single submitter. Criteria: Invitae Variant Classification Sherloc (09022015). Collection method: clinical testing. Allele origin: germline.
Comment: In summary, the currently available evidence indicates that the variant is pathogenic, but additional data are needed to prove that conclusively. Therefore, this variant has been classified as Likely Pathogenic. This missense change has been observed in individual(s) with Mucopolysaccharidosis type IVA (PMID: 34387910, 35005816). ClinVar contains an entry for this variant (Variation ID: 1048183). Advanced modeling of protein sequence and biophysical properties (such as structural, functional, and spatial information, amino acid conservation, physicochemical variation, residue mobility, and thermodynamic stability) performed at Invitae indicates that this missense variant is expected to disrupt GALNS protein function. This sequence change replaces arginine, which is basic and polar, with glycine, which is neutral and non-polar, at codon 105 of the GALNS protein (p.Arg105Gly). This variant is not present in population databases (gnomAD no frequency).

Laboratory of Diagnosis and Therapy of Lysosomal Disorders, University of Padova
Classification: Uncertain significance for Mucopolysaccharidosis, MPS-IV-A. Last evaluated: 2021-02-01. Review status: criteria provided, single submitter. Criteria: ACMG Guidelines, 2015. Collection method: research. Allele origin: germline. Affected: yes.
Comment: Absent from gnomAD v2.1.1 (PM2_moderate); multiple lines of computational evidence support a deleterious effect on the gene (PP3_supporting)

Literature cited by the submitters: PubMed 34387910 (cited by 3 submitters); PubMed 35005816 (cited by Women's Health and Genetics/Laboratory Corporation of America, LabCorp and Labcorp Genetics (formerly Invitae), Labcorp).